The following is an entry in ClinVar:

NM_000156.6(GAMT):c.7G>A (p.Ala3Thr)

Genes: GAMT (guanidinoacetate N-methyltransferase; minus strand), LOC130062945 (ATAC-STARR-seq lymphoblastoid silent region 9707; plus strand). Cytogenetic location: 19p13.3.
Variant type: single nucleotide variant.
Coding change: c.7G>A on transcript NM_000156.6 (MANE Select); coding-DNA position 7, G replaced by A.
Protein change: p.Ala3Thr; replaces alanine 3 with threonine.
Molecular consequence: missense variant.
Genome position (GRCh38, 1-based): chr19:1,401,470, C>T on the plus strand (G>A on the coding strand, the complement: GAMT is on the minus strand). VCF-style: chr19-1401470-C-T. GRCh37 (hg19) VCF-style: chr19-1401469-C-T.
Other names: c.7G>A, p.Ala3Thr (NM_138924.3); short protein forms A3T.
Identifiers: ClinVar variation 205574 (VCV000205574.13), dbSNP rs574164748, ClinGen allele CA314792.

ClinVar aggregate classification (germline): Uncertain significance. Review status: criteria provided, multiple submitters, no conflicts (2 of 4 stars). 4 submissions from 4 submitters: Uncertain significance (3). 1 of the submissions does not count toward it. Last evaluated 2024-01-23.

Conditions:
Inborn genetic diseases. Identifiers: MedGen C0950123, MeSH D030342.
Cerebral creatine deficiency syndrome. Also called: Creatine deficiency syndromes. Identifiers: Orphanet 79172, MedGen C5244016, MONDO:0000456.
Deficiency of guanidinoacetate methyltransferase (CCDS2). Also called: GAMT DEFICIENCY; Guanidinoacetate Methyltransferase (GAMT) Deficiency; CEREBRAL CREATINE DEFICIENCY SYNDROME 2. Identifiers: Orphanet 382, MedGen C0574080, MONDO:0012999, OMIM 612736.

Allele frequency attached by ClinVar (database versions not stated): gnomAD 0.00023 and 0.00024; gnomAD exomes 0.00009; TOPMed 0.00022; 1000 Genomes Project 30x 0.00016; 1000 Genomes Project 0.00020.
gnomAD v4.1: 61 of 1,361,768 alleles (0.0045%); highest among the groups gnomAD compares: African/African-American, 0.073%; no homozygotes.

Submissions (4):

Ambry Genetics
Classification: Uncertain significance for Inborn genetic diseases. Last evaluated: 2024-01-23. Review status: criteria provided, single submitter. Criteria: Ambry Variant Classification Scheme 2023. Collection method: clinical testing. Allele origin: germline.

Labcorp Genetics (formerly Invitae), Labcorp
Classification: Uncertain significance for Cerebral creatine deficiency syndrome. Last evaluated: 2022-10-17. Review status: criteria provided, single submitter. Criteria: Invitae Variant Classification Sherloc (09022015). Collection method: clinical testing. Allele origin: germline.
Comment: This sequence change replaces alanine, which is neutral and non-polar, with threonine, which is neutral and polar, at codon 3 of the GAMT protein (p.Ala3Thr). The frequency data for this variant in the population databases is considered unreliable, as metrics indicate poor data quality at this position in the gnomAD database. This variant has not been reported in the literature in individuals affected with GAMT-related conditions. ClinVar contains an entry for this variant (Variation ID: 205574). Advanced modeling of protein sequence and biophysical properties (such as structural, functional, and spatial information, amino acid conservation, physicochemical variation, residue mobility, and thermodynamic stability) performed at Invitae indicates that this missense variant is not expected to disrupt GAMT protein function. In summary, the available evidence is currently insufficient to determine the role of this variant in disease. Therefore, it has been classified as a Variant of Uncertain Significance.

Fulgent Genetics
Classification: Uncertain significance for Deficiency of guanidinoacetate methyltransferase. Last evaluated: 2018-10-31. Review status: criteria provided, single submitter. Criteria: ACMG Guidelines, 2015. Collection method: clinical testing. Allele origin: unknown.

Natera, Inc.
Classification: Uncertain significance for Guanidinoacetate methyltransferase deficiency. Last evaluated: 2020-02-26. Review status: no assertion criteria provided. Collection method: clinical testing. Allele origin: germline. Not counted in ClinVar's aggregate classification.